The following is an entry in ClinVar:

NM_001330360.2(POLA1):c.4180C>G (p.Leu1394Val)

Gene: POLA1 (DNA polymerase alpha 1, catalytic subunit; plus strand). Cytogenetic location: Xp21.3.
Variant type: single nucleotide variant.
Coding change: c.4180C>G on transcript NM_001330360.2 (MANE Select); coding-DNA position 4180, C replaced by G.
Protein change: p.Leu1394Val; replaces leucine 1394 with valine.
Molecular consequence: missense variant. On other transcripts: non-coding transcript variant (2).
Genome position (GRCh38, 1-based): chrX:24,930,468, C>G. VCF-style: chrX-24930468-C-G. GRCh37 (hg19) VCF-style: chrX-24948585-C-G.
Other names: c.4105C>G, p.Leu1369Val (NM_001378303.1); c.4162C>G, p.Leu1388Val (NM_016937.4); short protein forms L1388V, L1369V, L1394V.
Identifiers: ClinVar variation 1469950 (VCV001469950.6), dbSNP rs745829986, ClinGen allele CA412608687.

ClinVar aggregate classification (germline): Uncertain significance (1 of 4 stars; one submission).

Submission:

Labcorp Genetics (formerly Invitae), Labcorp
Classification: Uncertain significance. Last evaluated: 2021-10-14. Review status: criteria provided, single submitter. Criteria: Invitae Variant Classification Sherloc (09022015). Collection method: clinical testing. Allele origin: germline.
Comment: In summary, the available evidence is currently insufficient to determine the role of this variant in disease. Therefore, it has been classified as a Variant of Uncertain Significance. Algorithms developed to predict the effect of missense changes on protein structure and function are either unavailable or do not agree on the potential impact of this missense change (SIFT: "Deleterious"; PolyPhen-2: "Probably Damaging"; Align-GVGD: "Class C0"). This sequence change replaces leucine with valine at codon 1388 of the POLA1 protein (p.Leu1388Val). The leucine residue is highly conserved and there is a small physicochemical difference between leucine and valine. This variant is not present in population databases (ExAC no frequency). This variant has not been reported in the literature in individuals affected with POLA1-related conditions.